The following is an entry in ClinVar:

NM_001267550.2(TTN):c.86003T>A (p.Ile28668Lys)

Genes: TTN (titin; minus strand), TTN-AS1 (TTN antisense RNA 1; plus strand). Cytogenetic location: 2q31.2.
Variant type: single nucleotide variant.
Coding change: c.86003T>A on transcript NM_001267550.2 (MANE Select); coding-DNA position 86003, T replaced by A.
Protein change: p.Ile28668Lys; replaces isoleucine 28668 with lysine.
Molecular consequence: missense variant.
Genome position (GRCh38, 1-based): chr2:178,560,129, A>T on the plus strand (T>A on the coding strand, the complement: TTN is on the minus strand). VCF-style: chr2-178560129-A-T. GRCh37 (hg19) VCF-style: chr2-179424856-A-T.
Other names: c.86003T>A (LRG_391t1); c.81080T>A, p.Ile27027Lys (NM_001256850.1); c.58808T>A, p.Ile19603Lys (NM_003319.4); c.78299T>A, p.Ile26100Lys (NM_133378.4); c.59183T>A, p.Ile19728Lys (NM_133432.3); c.59384T>A, p.Ile19795Lys (NM_133437.4); short protein forms I26100K, I28668K, I19603K, I19728K, I27027K, I19795K.
Identifiers: ClinVar variation 263479 (VCV000263479.6), dbSNP rs374022393, ClinGen allele CA1988566.

ClinVar aggregate classification (germline): Uncertain significance. Review status: criteria provided, multiple submitters, no conflicts (2 of 4 stars). 3 submissions from 2 submitters: Uncertain significance (3). Last evaluated 2017-04-21.

Conditions:
Inborn genetic diseases. Identifiers: MedGen C0950123, MeSH D030342.
Cardiovascular phenotype. Identifiers: MedGen CN230736.

Allele frequency attached by ClinVar (database versions not stated): TOPMed 0.00003.

Submissions (3):

Athena Diagnostics
Classification: Uncertain significance. Last evaluated: 2017-04-21. Review status: criteria provided, single submitter. Criteria: Athena Diagnostics Criteria. Collection method: clinical testing. Allele origin: germline.

Ambry Genetics
Classification: Uncertain significance for Inborn genetic diseases. Last evaluated: 2017-04-06. Review status: criteria provided, single submitter. Criteria: Ambry exome assertion method (8-5-2015). Collection method: clinical testing. Allele origin: germline. Affected: yes. Observed: 1 variant allele.

Ambry Genetics
Classification: Uncertain significance for Cardiovascular phenotype. Last evaluated: 2013-01-11. Review status: criteria provided, single submitter. Criteria: Ambry Autosomal Dominant and X-Linked criteria (10/2015). Collection method: clinical testing. Allele origin: germline. Observed: 1 variant allele.
Comment: There is insufficient or conflicting evidence for classification of this alteration.